The following is an entry in ClinVar:

ClinVar aggregate classification (germline): Uncertain significance (1 of 4 stars; one submission).

Conditions:
Fanconi anemia complementation group Q. Identifiers: Orphanet 84, MedGen C3808988, MONDO:0014108, OMIM 615272.
Xeroderma pigmentosum, group F (XPF). Also called: XERODERMA PIGMENTOSUM, COMPLEMENTATION GROUP F; XERODERMA PIGMENTOSUM VI; XP, GROUP F; ERCC4-Related Xeroderma Pigmentosum; XERODERMA PIGMENTOSUM, TYPE F; Xeroderma pigmentosum, type 6. Identifiers: MedGen C0268140, MONDO:0010215, OMIM 278760.
Cockayne syndrome. Identifiers: Orphanet 191, MedGen C0009207, MONDO:0016006.

Allele frequency attached by ClinVar (database versions not stated): gnomAD exomes below 0.00001 and 0.00001; ExAC 0.00001; TOPMed 0.00002; gnomAD 0.00003.
gnomAD v4.1: 10 of 1,614,034 alleles (0.00062%); highest among the groups gnomAD compares: Non-Finnish European, 0.00085%; no homozygotes.

Submission:

Labcorp Genetics (formerly Invitae), Labcorp
Classification: Uncertain significance for Fanconi anemia complementation group Q; Xeroderma pigmentosum, group F; Cockayne syndrome. Last evaluated: 2024-04-09. Review status: criteria provided, single submitter. Criteria: Invitae Variant Classification Sherloc (09022015). Collection method: clinical testing. Allele origin: germline.
Comment: This sequence change replaces serine, which is neutral and polar, with tyrosine, which is neutral and polar, at codon 142 of the ERCC4 protein (p.Ser142Tyr). This variant is present in population databases (rs764093404, gnomAD 0.004%). This variant has not been reported in the literature in individuals affected with ERCC4-related conditions. ClinVar contains an entry for this variant (Variation ID: 1044188). Advanced modeling of protein sequence and biophysical properties (such as structural, functional, and spatial information, amino acid conservation, physicochemical variation, residue mobility, and thermodynamic stability) performed at Invitae indicates that this missense variant is expected to disrupt ERCC4 protein function with a positive predictive value of 80%. In summary, the available evidence is currently insufficient to determine the role of this variant in disease. Therefore, it has been classified as a Variant of Uncertain Significance.

NM_005236.3(ERCC4):c.425C>A (p.Ser142Tyr)

Gene: ERCC4 (ERCC excision repair 4, endonuclease catalytic subunit; plus strand). Cytogenetic location: 16p13.12.
Variant type: single nucleotide variant.
Coding change: c.425C>A on transcript NM_005236.3 (MANE Select); coding-DNA position 425, C replaced by A.
Protein change: p.Ser142Tyr; replaces serine 142 with tyrosine.
Molecular consequence: missense variant.
Genome position (GRCh38, 1-based): chr16:13,926,597, C>A. VCF-style: chr16-13926597-C-A. GRCh37 (hg19) VCF-style: chr16-14020454-C-A.
Other names: short protein forms S142Y.
Identifiers: ClinVar variation 1044188 (VCV001044188.7), dbSNP rs764093404, ClinGen allele CA7910197.